The following is an entry in ClinVar:

NM_001370259.2(MEN1):c.392G>T (p.Arg131Leu)

Gene: MEN1 (menin 1; minus strand). Cytogenetic location: 11q13.1.
Variant type: single nucleotide variant.
Coding change: c.392G>T on transcript NM_001370259.2 (MANE Select); coding-DNA position 392, G replaced by T.
Protein change: p.Arg131Leu; replaces arginine 131 with leucine.
Molecular consequence: missense variant. On other transcripts: non-coding transcript variant (4).
Genome position (GRCh38, 1-based): chr11:64,809,718, C>A on the plus strand (G>T on the coding strand, the complement: MEN1 is on the minus strand). VCF-style: chr11-64809718-C-A. GRCh37 (hg19) VCF-style: chr11-64577190-C-A.
Other names: c.392G>T, p.Arg131Leu (NM_000244.4, NM_001370251.2, NM_001370260.2 and 20 more transcripts); short protein forms R131L.
Identifiers: ClinVar variation 2450238 (VCV002450238.3), dbSNP rs2136180221, ClinGen allele CA381187254.

ClinVar aggregate classification (germline): Uncertain significance (1 of 4 stars; one submission).

Conditions:
Hereditary cancer-predisposing syndrome. Also called: Tumor predisposition; Hereditary Cancer Syndrome; Hereditary neoplastic syndrome; Neoplastic Syndromes, Hereditary. Identifiers: Orphanet 140162, MedGen C0027672, MeSH D009386, MONDO:0015356.

Submission:

Ambry Genetics
Classification: Uncertain significance for Hereditary cancer-predisposing syndrome. Last evaluated: 2026-03-23. Review status: criteria provided, single submitter. Criteria: Ambry Variant Classification Scheme 2023. Collection method: clinical testing. Allele origin: germline.
Comment: The p.R131L variant (also known as c.392G>T), located in coding exon 1 of the MEN1 gene, results from a G to T substitution at nucleotide position 392. The arginine at codon 131 is replaced by leucine, an amino acid with dissimilar properties. This amino acid position is highly conserved in available vertebrate species. In addition, this alteration is predicted to be deleterious by in silico analysis. Based on the available evidence, the clinical significance of this variant remains unclear.